The following is an entry in ClinVar:

ClinVar aggregate classification (germline): Uncertain significance. Review status: criteria provided, multiple submitters, no conflicts (2 of 4 stars). 2 submissions from 2 submitters: Uncertain significance (2). Last evaluated 2026-07-06.

Conditions:
Inborn genetic diseases. Identifiers: MedGen C0950123, MeSH D030342.
Hypokalemic periodic paralysis, type 1. Also called: Hypokalemic Periodic Paralysis Type 1 (AD); HypoPP. Identifiers: Orphanet 681, MedGen C3714580, MONDO:0042979, OMIM 170400.
Malignant hyperthermia, susceptibility to, 5 (MHS5). Also called: CACNA1S-Related Malignant Hyperthermia Susceptibility. Identifiers: Orphanet 423, MedGen C1866077, MONDO:0011163, OMIM 601887.

Submissions (2):

Ambry Genetics
Classification: Uncertain significance for Inborn genetic diseases. Last evaluated: 2026-07-06. Review status: criteria provided, single submitter. Criteria: Ambry Variant Classification Scheme 2023. Collection method: clinical testing. Allele origin: germline.
Comment: The p.V918M variant (also known as c.2752G>A), located in coding exon 22 of the CACNA1S gene, results from a G to A substitution at nucleotide position 2752. The valine at codon 918 is replaced by methionine, an amino acid with highly similar properties. This amino acid position is conserved. In addition, this alteration is predicted to be deleterious by in silico analysis. Based on the available evidence, the clinical significance of this variant remains unclear.

Labcorp Genetics (formerly Invitae), Labcorp
Classification: Uncertain significance for Hypokalemic periodic paralysis, type 1; Malignant hyperthermia, susceptibility to, 5. Last evaluated: 2023-12-22. Review status: criteria provided, single submitter. Criteria: Invitae Variant Classification Sherloc (09022015). Collection method: clinical testing. Allele origin: germline.
Comment: This sequence change replaces valine, which is neutral and non-polar, with methionine, which is neutral and non-polar, at codon 918 of the CACNA1S protein (p.Val918Met). This variant is not present in population databases (gnomAD no frequency). This variant has not been reported in the literature in individuals affected with CACNA1S-related conditions. Advanced modeling of protein sequence and biophysical properties (such as structural, functional, and spatial information, amino acid conservation, physicochemical variation, residue mobility, and thermodynamic stability) performed at Invitae indicates that this missense variant is expected to disrupt CACNA1S protein function with a positive predictive value of 80%. In summary, the available evidence is currently insufficient to determine the role of this variant in disease. Therefore, it has been classified as a Variant of Uncertain Significance.

NM_000069.3(CACNA1S):c.2752G>A (p.Val918Met)

Gene: CACNA1S (calcium voltage-gated channel subunit alpha1 S; minus strand). Cytogenetic location: 1q32.1.
Variant type: single nucleotide variant.
Coding change: c.2752G>A on transcript NM_000069.3 (MANE Select); coding-DNA position 2752, G replaced by A.
Protein change: p.Val918Met; replaces valine 918 with methionine.
Molecular consequence: missense variant.
Genome position (GRCh38, 1-based): chr1:201,065,939, C>T on the plus strand (G>A on the coding strand, the complement: CACNA1S is on the minus strand). VCF-style: chr1-201065939-C-T. GRCh37 (hg19) VCF-style: chr1-201035067-C-T.
Other names: c.2752G>A (NM_000069.2); short protein forms V918M.
Identifiers: ClinVar variation 2936887 (VCV002936887.4), dbSNP rs1558065059, ClinGen allele CA344101910.